The following is an entry in ClinVar:

ClinVar aggregate classification (germline): Uncertain significance (1 of 4 stars; one submission).

Conditions:
Cardiovascular phenotype. Identifiers: MedGen CN230736.

gnomAD v4.1: 2 of 1,614,066 alleles (0.00012%); highest among the groups gnomAD compares: African/African-American, 0.0013%; no homozygotes.

Submission:

Ambry Genetics
Classification: Uncertain significance for Cardiovascular phenotype. Last evaluated: 2025-02-22. Review status: criteria provided, single submitter. Criteria: Ambry Variant Classification Scheme 2023. Collection method: clinical testing. Allele origin: germline.
Comment: The p.P1111S variant (also known as c.3331C>T), located in coding exon 18 of the SCN10A gene, results from a C to T substitution at nucleotide position 3331. The proline at codon 1111 is replaced by serine, an amino acid with similar properties. This amino acid position is conserved. In addition, the in silico prediction for this alteration is inconclusive. Based on the available evidence, the clinical significance of this variant remains unclear.

NM_006514.4(SCN10A):c.3331C>T (p.Pro1111Ser)

Genes: SCN10A (sodium voltage-gated channel alpha subunit 10; minus strand), LOC110121288 (VISTA enhancer hs2268; plus strand). Cytogenetic location: 3p22.2.
Variant type: single nucleotide variant.
Coding change: c.3331C>T on transcript NM_006514.4 (MANE Select); coding-DNA position 3331, C replaced by T.
Protein change: p.Pro1111Ser; replaces proline 1111 with serine.
Molecular consequence: missense variant.
Genome position (GRCh38, 1-based): chr3:38,723,451, G>A on the plus strand (C>T on the coding strand, the complement: SCN10A is on the minus strand). VCF-style: chr3-38723451-G-A. GRCh37 (hg19) VCF-style: chr3-38764942-G-A.
Other names: c.3328C>T, p.Pro1110Ser (NM_001293306.2); c.3037C>T, p.Pro1013Ser (NM_001293307.2); short protein forms P1013S, P1111S, P1110S.
Identifiers: ClinVar variation 3793152 (VCV003793152.1).
Genomic context (GRCh38, chr3:38,723,451, plus strand): 5'-TTAACATCAGTGTGAGGGGGCCTGTGGCTGTCCCTTCACCTTCTGTGAAGCAGTCATCTG[G>A]TTCTTCCAGGTCATCTGCCAGCTCAGGGATCTTCCTCAGGATTTCCTCAGGATCTAGGCA-3'
Protein context (NP_006505.4, residues 1101-1121): IPELADDLEE[Pro1111Ser]DDCFTEGCIR